The following is an entry in ClinVar:

ClinVar aggregate classification (germline): Conflicting classifications of pathogenicity. Review status: criteria provided, conflicting classifications (1 of 4 stars). 2 submissions from 2 submitters: Uncertain significance (1); Likely benign (1). Last evaluated 2024-09-17.

Conditions:
Cowden syndrome 3 (CWS3). Identifiers: Orphanet 201, MedGen CN166604, MONDO:0014045.
Carney-Stratakis syndrome. Also called: PARAGANGLIOMA AND GASTROINTESTINAL STROMAL TUMOR. Identifiers: Orphanet 97286, MedGen C1847319, MONDO:0011740, OMIM 606864.
Pheochromocytoma. Also called: MAX-Related Hereditary Paraganglioma-Pheochromocytoma Syndrome. Identifiers: Orphanet 29072, MedGen C0031511, MONDO:0008233, OMIM 171300, HP:0002666.
Paragangliomas with sensorineural hearing loss. Identifiers: MedGen C1868633.

Allele frequency attached by ClinVar (database versions not stated): gnomAD exomes below 0.00001; TOPMed below 0.00001.
gnomAD v4.1: 1 of 1,588,556 alleles (0.000063%); highest among the groups gnomAD compares: Non-Finnish European, 0.000086%; no homozygotes.

Submissions (2):

Quest Diagnostics Nichols Institute San Juan Capistrano
Classification: Uncertain significance. Last evaluated: 2024-09-17. Review status: criteria provided, single submitter. Criteria: Quest Diagnostics criteria. Collection method: clinical testing. Allele origin: unknown.
Comment: The SDHD c.53-7T>C variant has not been reported in individuals with SDHD-related conditions in the published literature. It also has not been reported in large, multi-ethnic general populations (Genome Aggregation Database). Analysis of this variant using software algorithms for the prediction of the effect of nucleotide changes on splicing yielded predictions that this variant does not affect SDHD mRNA splicing. Based on the available information, we are unable to determine the clinical significance of this variant.

Labcorp Genetics (formerly Invitae), Labcorp
Classification: Likely benign for Carney-Stratakis syndrome; Paragangliomas with sensorineural hearing loss; Pheochromocytoma; Cowden syndrome 3. Last evaluated: 2022-10-12. Review status: criteria provided, single submitter. Criteria: Invitae Variant Classification Sherloc (09022015). Collection method: clinical testing. Allele origin: germline.

NM_003002.4(SDHD):c.53-7T>C

Gene: SDHD (succinate dehydrogenase complex subunit D; plus strand). Cytogenetic location: 11q23.1.
Variant type: single nucleotide variant.
Coding change: c.53-7T>C on transcript NM_003002.4 (MANE Select); 7 bases into the intron before coding-DNA position 53, T replaced by C.
Molecular consequence: intron variant.
Genome position (GRCh38, 1-based): chr11:112,087,850, T>C. VCF-style: chr11-112087850-T-C. GRCh37 (hg19) VCF-style: chr11-111958574-T-C.
Other names: c.53-7T>C (NM_001276506.2, NM_001276503.2, NM_003002.3); c.52+891T>C (NM_001276504.2).
Identifiers: ClinVar variation 2059266 (VCV002059266.5), dbSNP rs1370020365, ClinGen allele CA671745566.
Genomic context (GRCh38, chr11:112,087,850, plus strand): 5'-TTTAGAAAGTTTGTCAGTCCTGTTAAAGGAGAGGTTCTTATGATCATCCTAATGACTCTT[T>C]CCTCAGCTCTGTTGCTTCGAACTCCAGTGGTCAGACCTGCTCATATCTCAGCATTTCTTC-3'